The following is an entry in ClinVar:

ClinVar aggregate classification (germline): Uncertain significance (1 of 4 stars; one submission).

Conditions:
Hyperkalemic periodic paralysis. Also called: Familial hyperkalemic periodic paralysis; Gamstorp disease. Identifiers: Orphanet 682, MedGen C0238357, MONDO:0008224, OMIM 170500, HP:0007215.

Submission:

Labcorp Genetics (formerly Invitae), Labcorp
Classification: Uncertain significance for Hyperkalemic Periodic Paralysis Type 1. Last evaluated: 2019-03-28. Review status: criteria provided, single submitter. Criteria: Invitae Variant Classification Sherloc (09022015). Collection method: clinical testing. Allele origin: germline.
Comment: This sequence change replaces serine with phenylalanine at codon 1427 of the SCN4A protein (p.Ser1427Phe). The serine residue is highly conserved and there is a large physicochemical difference between serine and phenylalanine. This variant is not present in population databases (ExAC no frequency). This variant has not been reported in the literature in individuals with SCN4A-related conditions. Algorithms developed to predict the effect of missense changes on protein structure and function (SIFT, PolyPhen-2, Align-GVGD) all suggest that this variant is likely to be disruptive, but these predictions have not been confirmed by published functional studies and their clinical significance is uncertain. In summary, the available evidence is currently insufficient to determine the role of this variant in disease. Therefore, it has been classified as a Variant of Uncertain Significance.

NM_000334.4(SCN4A):c.4280C>T (p.Ser1427Phe)

Genes: GH-LCR (growth hormone locus control region; plus strand), SCN4A (sodium voltage-gated channel alpha subunit 4; minus strand). Cytogenetic location: 17q23.3.
Variant type: single nucleotide variant.
Coding change: c.4280C>T on transcript NM_000334.4 (MANE Select); coding-DNA position 4280, C replaced by T.
Protein change: p.Ser1427Phe; replaces serine 1427 with phenylalanine.
Molecular consequence: missense variant.
Genome position (GRCh38, 1-based): chr17:63,942,834, G>A on the plus strand (C>T on the coding strand, the complement: SCN4A is on the minus strand). VCF-style: chr17-63942834-G-A. GRCh37 (hg19) VCF-style: chr17-62020194-G-A.
Other names: short protein forms S1427F.
Identifiers: ClinVar variation 841601 (VCV000841601.1), dbSNP rs1908586568, ClinGen allele CA400616328.